The following is an entry in ClinVar:

NM_198880.3(QRICH1):c.1618G>C (p.Gly540Arg)

Gene: QRICH1 (glutamine rich 1; minus strand). Cytogenetic location: 3p21.31.
Variant type: single nucleotide variant.
Coding change: c.1618G>C on transcript NM_198880.3 (MANE Select); coding-DNA position 1618, G replaced by C.
Protein change: p.Gly540Arg; replaces glycine 540 with arginine.
Molecular consequence: missense variant.
Genome position (GRCh38, 1-based): chr3:49,046,478, C>G on the plus strand (G>C on the coding strand, the complement: QRICH1 is on the minus strand). VCF-style: chr3-49046478-C-G. GRCh37 (hg19) VCF-style: chr3-49083911-C-G.
Other names: c.1618G>C, p.Gly540Arg (NM_001320580.2, NM_001320581.2, NM_001320582.2 and 4 more transcripts); short protein forms G540R.
Identifiers: ClinVar variation 3236009 (VCV003236009.1), dbSNP rs1440438022, ClinGen allele CA352758983.

ClinVar aggregate classification (germline): Uncertain significance (1 of 4 stars; one submission).

Conditions:
Ververi-Brady syndrome. Identifiers: MedGen C4693824, MONDO:0979877, MONDO:0060707.

Allele frequency attached by ClinVar (database versions not stated): gnomAD exomes below 0.00001; gnomAD 0.00001; TOPMed below 0.00001.
gnomAD v4.1: 2 of 1,613,972 alleles (0.00012%); highest among the groups gnomAD compares: Non-Finnish European, 0.00017%; no homozygotes.

Submission:

MVZ Medizinische Genetik Mainz
Classification: Uncertain significance for Ververi-Brady syndrome 1. Last evaluated: 2022-01-12. Review status: criteria provided, single submitter. Criteria: UK Practice Guidelines For Variant Classification V4 01 2020. Collection method: clinical testing. Allele origin: germline. Inheritance: Autosomal dominant inheritance. Affected: yes. Observed: 1 variant allele.
Comment: ACMG Criteria: PM2_SUP,PP2,PP3